The following is an entry in ClinVar:

NM_001083619.3(GRIA2):c.796G>A (p.Asp266Asn)

Gene: GRIA2 (glutamate ionotropic receptor AMPA type subunit 2; plus strand). Cytogenetic location: 4q32.1.
Variant type: single nucleotide variant.
Coding change: c.796G>A on transcript NM_001083619.3 (MANE Select); coding-DNA position 796, G replaced by A.
Protein change: p.Asp266Asn; replaces aspartic acid 266 with asparagine.
Molecular consequence: missense variant.
Genome position (GRCh38, 1-based): chr4:157,321,513, G>A. VCF-style: chr4-157321513-G-A. GRCh37 (hg19) VCF-style: chr4-158242665-G-A.
Other names: c.796G>A, p.Asp266Asn (NM_000826.6); c.655G>A, p.Asp219Asn (NM_001083620.3, NM_001379000.3, NM_001379001.3); short protein forms D219N, D266N.
Identifiers: ClinVar variation 2635603 (VCV002635603.1), dbSNP rs1734564383, ClinGen allele CA358646271.

ClinVar aggregate classification (germline): Uncertain significance (1 of 4 stars; one submission).

Conditions:
GRIA2-related disorder. Also called: GRIA2-related condition.

Allele frequency attached by ClinVar (database versions not stated): gnomAD exomes below 0.00001; gnomAD 0.00001; TOPMed 0.00001.
gnomAD v4.1: 2 of 1,606,562 alleles (0.00012%); highest among the groups gnomAD compares: African/African-American, 0.0013%; no homozygotes.

Submission:

PreventionGenetics, part of Exact Sciences
Classification: Uncertain significance for GRIA2-related condition. Last evaluated: 2022-11-16. Review status: criteria provided, single submitter. Criteria: ACMG Guidelines, 2015. Collection method: clinical testing. Allele origin: germline.
Comment: The GRIA2 c.796G>A variant is predicted to result in the amino acid substitution p.Asp266Asn. To our knowledge, this variant has not been reported in the literature or in a large population database, indicating this variant is rare. At this time, the clinical significance of this variant is uncertain due to the absence of conclusive functional and genetic evidence.